The following is an entry in ClinVar:

ClinVar aggregate classification (germline): Uncertain significance (1 of 4 stars; one submission).

Conditions:
Familial adenomatous polyposis 1 (FAP1). Also called: POLYPOSIS, ADENOMATOUS INTESTINAL; FAMILIAL ADENOMATOUS POLYPOSIS 1, ATTENUATED. Identifiers: MedGen C2713442, MONDO:0021056, OMIM 175100. Disease mechanism: loss of function.

Submission:

Labcorp Genetics (formerly Invitae), Labcorp
Classification: Uncertain significance for Familial adenomatous polyposis 1. Last evaluated: 2021-08-02. Review status: criteria provided, single submitter. Criteria: Invitae Variant Classification Sherloc (09022015). Collection method: clinical testing. Allele origin: germline.
Comment: In summary, the available evidence is currently insufficient to determine the role of this variant in disease. Therefore, it has been classified as a Variant of Uncertain Significance. Nucleotide substitutions within the consensus splice site are a relatively common cause of aberrant splicing (PMID: 17576681, 9536098). Algorithms developed to predict the effect of sequence changes on RNA splicing suggest that this variant is not likely to affect RNA splicing, but this prediction has not been confirmed by published transcriptional studies. This variant has not been reported in the literature in individuals with APC-related conditions. This variant is not present in population databases (ExAC no frequency). This sequence change falls in intron 6 of the APC gene. It does not directly change the encoded amino acid sequence of the APC protein, but it affects a nucleotide within the consensus splice site of the intron.

Literature cited by the submitters: PubMed 17576681; PubMed 9536098.

NM_000038.6(APC):c.645+3A>G

Gene: APC (APC regulator of Wnt signaling pathway; plus strand). Cytogenetic location: 5q22.2.
Variant type: single nucleotide variant.
Coding change: c.645+3A>G on transcript NM_000038.6 (MANE Select); 3 bases into the intron after coding-DNA position 645, A replaced by G.
Molecular consequence: intron variant.
Genome position (GRCh38, 1-based): chr5:112,780,906, A>G. VCF-style: chr5-112780906-A-G. GRCh37 (hg19) VCF-style: chr5-112116603-A-G.
Other names: c.645+3A>G (NM_001354895.2, NM_001127510.3, NM_001354896.2 and 2 more transcripts); c.675+3A>G (NM_001354897.2, NM_001354902.2, NM_001127511.3); c.570+3A>G (NM_001354898.2, NM_001354904.2); c.-391+3A>G (NM_001354906.2); c.468+3A>G (NM_001354900.2, NM_001354901.2, NM_001354905.2).
Identifiers: ClinVar variation 1424765 (VCV001424765.6), dbSNP rs2149641284, ClinGen allele CA2573138811.